The following is an entry in ClinVar:

ClinVar aggregate classification (germline): Uncertain significance (1 of 4 stars; one submission).

Conditions:
NCOA1-related disorder. Also called: NCOA1-related condition.

gnomAD v4.1: 4 of 1,614,098 alleles (0.00025%); highest among the groups gnomAD compares: Admixed American, 0.005%; no homozygotes.

Submission:

PreventionGenetics, part of Exact Sciences
Classification: Uncertain significance for NCOA1-related condition. Last evaluated: 2026-07-17. Review status: criteria provided, single submitter. Criteria: ACMG Guidelines, 2015. Collection method: clinical testing. Allele origin: germline.
Comment: The NCOA1 c.1952A>G variant is predicted to result in the amino acid substitution p.Asp651Gly. To our knowledge, this variant has not been reported in the literature. This variant is reported in 0.0087% of alleles in individuals of Latino descent in gnomAD. At this time, the clinical significance of this variant is uncertain due to the absence of conclusive functional and genetic evidence.

NM_003743.5(NCOA1):c.1952A>G (p.Asp651Gly)

Gene: NCOA1 (nuclear receptor coactivator 1; plus strand). Cytogenetic location: 2p23.3.
Variant type: single nucleotide variant.
Coding change: c.1952A>G on transcript NM_003743.5 (MANE Select); coding-DNA position 1952, A replaced by G.
Protein change: p.Asp651Gly; replaces aspartic acid 651 with glycine.
Molecular consequence: missense variant.
Genome position (GRCh38, 1-based): chr2:24,707,422, A>G. VCF-style: chr2-24707422-A-G. GRCh37 (hg19) VCF-style: chr2-24930291-A-G.
Other names: c.1952A>G, p.Asp651Gly (NM_001362950.1, NM_001362952.1, NM_001362954.1 and 3 more transcripts); short protein forms D651G.
Identifiers: ClinVar variation 4990697 (VCV004990697.1).